The following is an entry in ClinVar:

NC_000006.11:g.(?_123759188)_(123760168_?)del

Gene: TRDN (triadin; minus strand). Cytogenetic location: 6q22.31.
Variant type: Deletion.
Identifiers: ClinVar variation 1449020 (VCV001449020.45).

ClinVar aggregate classification (germline): Uncertain significance (1 of 4 stars; one submission).

Conditions:
Catecholaminergic polymorphic ventricular tachycardia 1. Also called: VENTRICULAR TACHYCARDIA, STRESS-INDUCED POLYMORPHIC 1; VENTRICULAR TACHYCARDIA, CATECHOLAMINERGIC POLYMORPHIC, 1, WITH OR WITHOUT ATRIAL DYSFUNCTION AND/OR DILATED CARDIOMYOPATHY; RYR2-Related Catecholaminergic Polymorphic Ventricular Tachycardia. Identifiers: Orphanet 3286, MedGen C1631597, MONDO:0011484, OMIM 604772.

Submission:

Labcorp Genetics (formerly Invitae), Labcorp
Classification: Uncertain significance for Catecholaminergic polymorphic ventricular tachycardia 1. Last evaluated: 2023-05-22. Review status: criteria provided, single submitter. Criteria: Invitae Variant Classification Sherloc (09022015). Collection method: clinical testing. Allele origin: germline.
Comment: This variant is a gross deletion of the genomic region encompassing exon(s) 11-12 of the TRDN gene. However, it is currently unclear if variants that occur in this region of the gene cause disease. This variant has not been reported in the literature in individuals affected with TRDN-related conditions. Experimental studies and prediction algorithms are not available or were not evaluated, and the functional significance of this variant is currently unknown. In summary, the available evidence is currently insufficient to determine the role of this variant in disease. Therefore, it has been classified as a Variant of Uncertain Significance.